The following is an entry in ClinVar:

NM_001009999.3(KDM1A):c.2548G>A (p.Ala850Thr)

Gene: KDM1A (lysine demethylase 1A; plus strand). Cytogenetic location: 1p36.12.
Variant type: single nucleotide variant.
Coding change: c.2548G>A on transcript NM_001009999.3 (MANE Select); coding-DNA position 2548, G replaced by A.
Protein change: p.Ala850Thr; replaces alanine 850 with threonine.
Molecular consequence: missense variant. On other transcripts: 3 prime UTR variant (1).
Genome position (GRCh38, 1-based): chr1:23,083,281, G>A. VCF-style: chr1-23083281-G-A. GRCh37 (hg19) VCF-style: chr1-23409774-G-A.
Other names: c.2494G>A, p.Ala832Thr (NM_001363654.2); c.2554G>A, p.Ala852Thr (NM_001410762.1); c.*796G>A (NM_001410763.1); c.2476G>A, p.Ala826Thr (NM_015013.4); short protein forms A850T, A852T, A826T, A832T.
Identifiers: ClinVar variation 4622652 (VCV004622652.1).

ClinVar aggregate classification (germline): Uncertain significance (1 of 4 stars; one submission).

Conditions:
Inborn genetic diseases. Identifiers: MedGen C0950123, MeSH D030342.

Submission:

Ambry Genetics
Classification: Uncertain significance for Inborn genetic diseases. Last evaluated: 2025-09-27. Review status: criteria provided, single submitter. Criteria: Ambry Variant Classification Scheme 2023. Collection method: clinical testing. Allele origin: germline.
Comment: The p.A850T variant (also known as c.2548G>A), located in coding exon 21 of the KDM1A gene, results from a G to A substitution at nucleotide position 2548. The alanine at codon 850 is replaced by threonine, an amino acid with similar properties. This amino acid position is conserved. In addition, this alteration is predicted to be deleterious by in silico analysis. Based on the available evidence, the clinical significance of this variant remains unclear.